The following is an entry in ClinVar:

ClinVar aggregate classification (germline): Uncertain significance (1 of 4 stars; one submission).

Conditions:
RASopathy. Also called: rasopathies; Noonan spectrum disorder. Identifiers: Orphanet 536391, MedGen C5555857, MONDO:0021060.

Allele frequency attached by ClinVar (database versions not stated): gnomAD exomes below 0.00001.
gnomAD v4.1: 1 of 1,576,796 alleles (0.000063%); highest among the groups gnomAD compares: South Asian, 0.0012%; no homozygotes.

Submission:

Labcorp Genetics (formerly Invitae), Labcorp
Classification: Uncertain significance for RASopathy. Last evaluated: 2021-12-24. Review status: criteria provided, single submitter. Criteria: Invitae Variant Classification Sherloc (09022015). Collection method: clinical testing. Allele origin: germline.
Comment: This sequence change falls in intron 4 of the MAP2K2 gene. It does not directly change the encoded amino acid sequence of the MAP2K2 protein. This variant is not present in population databases (gnomAD no frequency). This variant has not been reported in the literature in individuals affected with MAP2K2-related conditions. Algorithms developed to predict the effect of sequence changes on RNA splicing suggest that this variant may disrupt the consensus splice site. In summary, the available evidence is currently insufficient to determine the role of this variant in disease. Therefore, it has been classified as a Variant of Uncertain Significance.

NM_030662.4(MAP2K2):c.529-7C>G

Gene: MAP2K2 (mitogen-activated protein kinase kinase 2; minus strand). Cytogenetic location: 19p13.3.
Variant type: single nucleotide variant.
Coding change: c.529-7C>G on transcript NM_030662.4 (MANE Select); 7 bases into the intron before coding-DNA position 529, C replaced by G.
Molecular consequence: intron variant.
Genome position (GRCh38, 1-based): chr19:4,101,287, G>C on the plus strand (C>G on the coding strand, the complement: MAP2K2 is on the minus strand). VCF-style: chr19-4101287-G-C. GRCh37 (hg19) VCF-style: chr19-4101285-G-C.
Identifiers: ClinVar variation 2056696 (VCV002056696.4), dbSNP rs1222149206, ClinGen allele CA2576573396.